The following is an entry in ClinVar:

NM_006031.6(PCNT):c.5606C>T (p.Thr1869Met)

Gene: PCNT (pericentrin; plus strand). Cytogenetic location: 21q22.3.
Variant type: single nucleotide variant.
Coding change: c.5606C>T on transcript NM_006031.6 (MANE Select); coding-DNA position 5606, C replaced by T.
Protein change: p.Thr1869Met; replaces threonine 1869 with methionine.
Molecular consequence: missense variant.
Genome position (GRCh38, 1-based): chr21:46,411,679, C>T. VCF-style: chr21-46411679-C-T. GRCh37 (hg19) VCF-style: chr21-47831593-C-T.
Other names: c.5252C>T, p.Thr1751Met (NM_001315529.2); short protein forms T1869M, T1751M.
Identifiers: ClinVar variation 436201 (VCV000436201.8), dbSNP rs775982969, ClinGen allele CA10080037.

ClinVar aggregate classification (germline): Uncertain significance. Review status: criteria provided, multiple submitters, no conflicts (2 of 4 stars). 3 submissions from 3 submitters: Uncertain significance (3). Last evaluated 2025-05-06.

Conditions:
PCNT-related disorder. Also called: PCNT-related condition.

Allele frequency attached by ClinVar (database versions not stated): gnomAD 0.00001; gnomAD exomes 0.00001 and 0.00002; TOPMed 0.00001; ExAC 0.00002.
gnomAD v4.1: 14 of 1,612,884 alleles (0.00087%); highest among the groups gnomAD compares: East Asian, 0.0022%; no homozygotes.

Submissions (3):

PreventionGenetics, part of Exact Sciences
Classification: Uncertain significance for PCNT-related condition. Last evaluated: 2025-05-06. Review status: criteria provided, single submitter. Criteria: ACMG Guidelines, 2015. Collection method: clinical testing. Allele origin: germline.
Comment: The PCNT c.5606C>T variant is predicted to result in the amino acid substitution p.Thr1869Met. To our knowledge, this variant has not been reported in the literature. This variant is reported in 0.0093% of alleles in individuals of European (Finnish) descent in gnomAD. At this time, the clinical significance of this variant is uncertain due to the absence of conclusive functional and genetic evidence.

Labcorp Genetics (formerly Invitae), Labcorp
Classification: Uncertain significance. Last evaluated: 2022-06-23. Review status: criteria provided, single submitter. Criteria: Invitae Variant Classification Sherloc (09022015). Collection method: clinical testing. Allele origin: germline.
Comment: This sequence change replaces threonine, which is neutral and polar, with methionine, which is neutral and non-polar, at codon 1869 of the PCNT protein (p.Thr1869Met). This variant is present in population databases (rs775982969, gnomAD 0.009%). This variant has not been reported in the literature in individuals affected with PCNT-related conditions. ClinVar contains an entry for this variant (Variation ID: 436201). Algorithms developed to predict the effect of missense changes on protein structure and function output the following: SIFT: "Tolerated"; PolyPhen-2: "Benign"; Align-GVGD: "Class C0". The methionine amino acid residue is found in multiple mammalian species, which suggests that this missense change does not adversely affect protein function. In summary, the available evidence is currently insufficient to determine the role of this variant in disease. Therefore, it has been classified as a Variant of Uncertain Significance.

Genetic Services Laboratory, University of Chicago
Classification: Uncertain significance. Last evaluated: 2015-11-17. Review status: criteria provided, single submitter. Criteria: ACMG Guidelines, 2015. Collection method: clinical testing. Allele origin: germline. Affected: no.